The following is an entry in ClinVar:

NM_022095.4(ZNF335):c.1331G>A (p.Arg444His)

Gene: ZNF335 (zinc finger protein 335; minus strand). Cytogenetic location: 20q13.12.
Variant type: single nucleotide variant.
Coding change: c.1331G>A on transcript NM_022095.4 (MANE Select); coding-DNA position 1331, G replaced by A.
Protein change: p.Arg444His; replaces arginine 444 with histidine.
Molecular consequence: missense variant.
Genome position (GRCh38, 1-based): chr20:45,963,762, C>T on the plus strand (G>A on the coding strand, the complement: ZNF335 is on the minus strand). VCF-style: chr20-45963762-C-T. GRCh37 (hg19) VCF-style: chr20-44592401-C-T.
Other names: short protein forms R444H.
Identifiers: ClinVar variation 1368632 (VCV001368632.6), dbSNP rs763025004, ClinGen allele CA9885775.

ClinVar aggregate classification (germline): Uncertain significance (1 of 4 stars; one submission).

Allele frequency attached by ClinVar (database versions not stated): gnomAD exomes below 0.00001 and 0.00001; TOPMed below 0.00001; ExAC 0.00001; gnomAD 0.00001.
gnomAD v4.1: 16 of 1,614,026 alleles (0.00099%); highest among the groups gnomAD compares: Non-Finnish European, 0.0012%; no homozygotes.

Submission:

Labcorp Genetics (formerly Invitae), Labcorp
Classification: Uncertain significance. Last evaluated: 2021-09-17. Review status: criteria provided, single submitter. Criteria: Invitae Variant Classification Sherloc (09022015). Collection method: clinical testing. Allele origin: germline.
Comment: This sequence change replaces arginine with histidine at codon 444 of the ZNF335 protein (p.Arg444His). The arginine residue is highly conserved and there is a small physicochemical difference between arginine and histidine. This variant is present in population databases (rs763025004, ExAC 0.002%). In summary, the available evidence is currently insufficient to determine the role of this variant in disease. Therefore, it has been classified as a Variant of Uncertain Significance. Algorithms developed to predict the effect of missense changes on protein structure and function (SIFT, PolyPhen-2, Align-GVGD) all suggest that this variant is likely to be tolerated. This variant has not been reported in the literature in individuals affected with ZNF335-related conditions.